The following is an entry in ClinVar:

NM_177438.3(DICER1):c.1052del (p.Phe351fs)

Gene: DICER1 (dicer 1, ribonuclease III; minus strand). Cytogenetic location: 14q32.13.
Variant type: Deletion.
Coding change: c.1052del on transcript NM_177438.3 (MANE Select); coding-DNA position 1052, one base deleted (T; older notation c.1052delT).
Protein change: p.Phe351fs; shifts the reading frame from phenylalanine 351.
Molecular consequence: frameshift variant. On other transcripts: non-coding transcript variant (6), 5 prime UTR variant (1).
Genome position (GRCh38, 1-based): chr14:95,124,520, A deleted on the plus strand (T on the coding strand, the reverse complement: DICER1 is on the minus strand); the first of 3 consecutive A bases (chr14:95,124,520-95,124,522); deleting any one gives the same sequence. VCF-style (leftmost placement, unchanged base first): chr14-95124519-GA-G. GRCh37 (hg19) VCF-style: chr14-95590856-GA-G.
Other names: p.(Phe351Serfs*2); c.1052del, p.Phe351fs (NM_030621.4, NM_001195573.1, NM_001271282.3 and 14 more transcripts); c.770del, p.Phe257fs (NM_001395686.1); c.647del, p.Phe216fs (NM_001395687.1, NM_001395688.1, NM_001395689.1 and 3 more transcripts); c.485del, p.Phe162fs (NM_001395691.1); c.-517del (NM_001395697.1); short protein forms F162fs, F216fs, F257fs, F351fs.
Identifiers: ClinVar variation 4686637 (VCV004686637.1).
Genomic context (GRCh38, chr14:95,124,519, plus strand): 5'-TTTCAGGTCAAGTGAGGCAGGTGAGAAGTGCTCTTCACATAGTGCATGTATTTTCCTTAG[GA>G]AAGTGTCTGTAAACAATAAAAATTTCCTGTGCAGCTCCTCTTGCTCATGTTTGATGTATT-3'

ClinVar aggregate classification (germline): Pathogenic (1 of 4 stars; one submission).

Conditions:
DICER1-related tumor predisposition. Also called: DICER1-related pleuropulmonary blastoma cancer predisposition syndrome; DICER1 syndrome. Identifiers: Orphanet 284343, MedGen C3839822, MONDO:0100216.

Submission:

Unidad de Genómica Garrahan, Hospital de Pediatría Garrahan
Classification: Pathogenic for DICER1-related tumor predisposition. Last evaluated: 2025-12-01. Review status: criteria provided, single submitter. Criteria: Hatton et al. (Hum Mutat. 2023). Collection method: clinical testing. Allele origin: germline. Affected: yes.
Comment: Frameshift variant predicted to result in protein truncation in a gene for which loss-of-function is a known mechanism of disease (PVS1_very strong). The variant is not reported in population-based cohorts in the Genome Aggregation Database (gnomAD) (PM2_Supporting). Based on the available evidence and following the ClinGen DICER1 and miRNA-Processing Gene Expert Panel Specifications to the ACMG/AMP Variant Interpretation Guidelines for DICER1 (PMID: 38084291) this alteration is classified as pathogenic.